The following is an entry in ClinVar:

ClinVar aggregate classification (germline): Benign. Review status: criteria provided, multiple submitters, no conflicts (2 of 4 stars). 5 submissions from 5 submitters: Benign (5). Last evaluated 2026-02-04.

Conditions:
Emery-Dreifuss muscular dystrophy 5, autosomal dominant (EDMD5). Also called: EMERY-DREIFUSS MUSCULAR DYSTROPHY 5. Identifiers: Orphanet 261, MedGen C2751805, MONDO:0013072, OMIM 612999.

Allele frequency attached by ClinVar (database versions not stated): ExAC 0.08396; gnomAD exomes 0.08469; 1000 Genomes Project 0.10903; gnomAD 0.11163 and 0.11557; ESP Exome Variant Server 0.11269; 1000 Genomes Project 30x 0.11399; TOPMed 0.12435.
gnomAD v4.1: 125,396 of 1,578,694 alleles (7.9%); highest among the groups gnomAD compares: African/African-American, 22%; 6,239 homozygotes.

Submissions (5):

Labcorp Genetics (formerly Invitae), Labcorp
Classification: Benign for Emery-Dreifuss muscular dystrophy 5, autosomal dominant. Last evaluated: 2026-02-04. Review status: criteria provided, single submitter. Criteria: Invitae Variant Classification Sherloc (09022015). Collection method: clinical testing. Allele origin: germline.

GeneDx
Classification: Benign. Last evaluated: 2018-07-09. Review status: criteria provided, single submitter. Criteria: GeneDx Variant Classification Process June 2021. Collection method: clinical testing. Allele origin: germline. Affected: yes.

Illumina Laboratory Services, Illumina
Classification: Benign for Emery-Dreifuss muscular dystrophy 5, autosomal dominant. Last evaluated: 2018-01-13. Review status: criteria provided, single submitter. Criteria: ICSL Variant Classification Criteria 13 December 2019. Collection method: clinical testing. Allele origin: germline.
Comment: This variant was observed in the ICSL laboratory as part of a predisposition screen in an ostensibly healthy population. It had not been previously curated by ICSL or reported in the Human Gene Mutation Database (HGMD: prior to June 1st, 2018), and was therefore a candidate for classification through an automated scoring system. Utilizing variant allele frequency, disease prevalence and penetrance estimates, and inheritance mode, an automated score was calculated to assess if this variant is too frequent to cause the disease. Based on the score and internal cut-off values, a variant classified as benign is not then subjected to further curation. The score for this variant resulted in a classification of benign for this disease.

Genetic Services Laboratory, University of Chicago
Classification: Benign for AllHighlyPenetrant. Last evaluated: 2013-08-15. Review status: criteria provided, single submitter. Criteria: ACMG Guidelines, 2007. Collection method: clinical testing. Allele origin: germline. Inheritance: Autosomal dominant inheritance.

Breakthrough Genomics
Classification: Benign. Review status: criteria provided, single submitter. Criteria: ACMG Guidelines, 2015. Collection method: not provided. Allele origin: germline. Inheritance: Autosomal dominant inheritance. Affected: yes.

NM_182914.3(SYNE2):c.399G>C (p.Leu133=)

Gene: SYNE2 (spectrin repeat containing nuclear envelope protein 2; plus strand). Cytogenetic location: 14q23.2.
Variant type: single nucleotide variant.
Coding change: c.399G>C on transcript NM_182914.3 (MANE Select); coding-DNA position 399, G replaced by C.
Protein change: p.Leu133=; no amino-acid change (leucine 133 retained).
Molecular consequence: synonymous variant.
Genome position (GRCh38, 1-based): chr14:63,942,134, G>C. VCF-style: chr14-63942134-G-C. GRCh37 (hg19) VCF-style: chr14-64408852-G-C.
Other names: c.399G>C, p.Leu133= (NM_015180.6).
Identifiers: ClinVar variation 130496 (VCV000130496.20), dbSNP rs33976862, ClinGen allele CA155577.